The following is an entry in ClinVar:

ClinVar aggregate classification (germline): Uncertain significance (1 of 4 stars; one submission).

Conditions:
Smith-Magenis syndrome (SMS). Also called: CHROMOSOME 17p11.2 DELETION SYNDROME. Identifiers: Orphanet 819, MedGen C0795864, MONDO:0008434, OMIM 182290.

Submission:

Juno Genomics, Hangzhou Juno Genomics, Inc
Classification: Uncertain significance for Smith-Magenis syndrome. Review status: criteria provided, single submitter. Criteria: ACMG Guidelines, 2015. Collection method: clinical testing. Allele origin: germline. Affected: yes.
Comment: Absent from controls (or at extremely low frequency if recessive) in Genome Aggregation Database, Exome Sequencing Project, 1000 Genomes Project, or Exome Aggregation Consortium.;De novo (both maternity and paternity confirmed) in a patient with the disease and no family history.

NM_030665.4(RAI1):c.5516C>T (p.Ala1839Val)

Gene: RAI1 (retinoic acid induced 1; plus strand). Cytogenetic location: 17p11.2.
Variant type: single nucleotide variant.
Coding change: c.5516C>T on transcript NM_030665.4 (MANE Select); coding-DNA position 5516, C replaced by T.
Protein change: p.Ala1839Val; replaces alanine 1839 with valine.
Molecular consequence: missense variant.
Genome position (GRCh38, 1-based): chr17:17,798,464, C>T. VCF-style: chr17-17798464-C-T. GRCh37 (hg19) VCF-style: chr17-17701778-C-T.
Other names: short protein forms A1839V.
Identifiers: ClinVar variation 3382560 (VCV003382560.2).